The following is an entry in ClinVar:

NM_000263.4(NAGLU):c.2209dup (p.Arg737fs)

Gene: NAGLU (N-acetyl-alpha-glucosaminidase; plus strand). Cytogenetic location: 17q21.2.
Variant type: Duplication.
Coding change: c.2209dup on transcript NM_000263.4 (MANE Select); coding-DNA position 2209, one base duplicated (C; older notation c.2209dupC).
Protein change: p.Arg737fs; shifts the reading frame from arginine 737.
Molecular consequence: frameshift variant.
Genome position (GRCh38, 1-based): chr17:42,544,215, C duplicated; the last of 5 consecutive C bases (chr17:42,544,211-42,544,215); duplicating any one gives the same sequence. VCF-style (leftmost placement, unchanged base first): chr17-42544210-A-AC. GRCh37 (hg19) VCF-style: chr17-40696228-A-AC.
Other names: short protein forms R737fs.
Identifiers: ClinVar variation 4876754 (VCV004876754.1).

ClinVar aggregate classification (germline): Uncertain significance (1 of 4 stars; one submission).

Conditions:
Charcot-Marie-Tooth disease axonal type 2V. Also called: CHARCOT-MARIE-TOOTH NEUROPATHY, TYPE 2V; CHARCOT-MARIE-TOOTH DISEASE, AXONAL, AUTOSOMAL DOMINANT, TYPE 2V. Identifiers: Orphanet 447964, MedGen C5569050, MONDO:0014665, OMIM 616491.

Submission:

Human Genetics Bochum, Ruhr University Bochum
Classification: Uncertain significance for Charcot-Marie-Tooth disease axonal type 2V. Last evaluated: 2026-01-05. Review status: criteria provided, single submitter. Criteria: ACMG Guidelines, 2015. Collection method: clinical testing. Allele origin: germline. Affected: yes.
Comment: ACMG criteria used to clasify this variant: PVS1_MOD, PM2_SUP